The following is an entry in ClinVar:

NM_016222.4(DDX41):c.232_233insAA (p.Pro78fs)

Gene: DDX41 (DEAD-box helicase 41; minus strand). Cytogenetic location: 5q35.3.
Variant type: Insertion.
Coding change: c.232_233insAA on transcript NM_016222.4 (MANE Select); coding-DNA positions 232 to 233, AA inserted.
Protein change: p.Pro78fs; shifts the reading frame from proline 78.
Molecular consequence: frameshift variant. On other transcripts: 5 prime UTR variant (2).
Genome position: GRCh38 VCF-style: chr5-177516353-G-GTT. GRCh37 (hg19) VCF-style: chr5-176943354-G-GTT.
Other names: c.-147_-146insAA (NM_001321732.2, NM_001321830.2); c.232_233insAA, p.Pro78fs (LRG_1386t1); short protein forms P78fs.
Identifiers: ClinVar variation 434917 (VCV000434917.12), dbSNP rs1554111683, ClinGen allele CA645372813.

ClinVar aggregate classification (germline): Pathogenic/Likely pathogenic. Review status: criteria provided, multiple submitters, no conflicts (2 of 4 stars). 5 submissions from 5 submitters: Pathogenic (3); Likely pathogenic (2). Last evaluated 2025-05-13.

Conditions:
DDX41-related hematologic malignancy predisposition syndrome. Also called: DDX41-Associated Familial Myelodysplastic Syndrome and Acute Myeloid Leukemia; Myeloproliferative/lymphoproliferative neoplasms, familial (multiple types), susceptibility to. Identifiers: Orphanet 488647, MedGen C4225174, MONDO:0014809, OMIM 616871.

Allele frequency attached by ClinVar (database versions not stated): gnomAD exomes below 0.00001.

Submissions (5):

Saint-Louis Hospital, Assistance Publique Hôpitaux de Paris
Classification: Likely pathogenic for DDX41-related hematologic malignancy predisposition syndrome. Last evaluated: 2025-05-13. Review status: criteria provided, single submitter. Criteria: ACMG Guidelines, 2015. Collection method: clinical testing. Allele origin: germline. Affected: yes.
Comment: The variant DDX41 (NM_016222.4):c.232_233insAA:p.(Pro78GlnfsTer3) is supposed to induce framshift and a premature stop codon. Loss-of-function variants in DDX41 are known to be pathogenic (PMID: 26712909, 27133828). It is absent from control population database. It is associated with a somatic DDX41 mutation in bone marrow, a classical route of clonal evolution in DDX41-myeloid malignancies predisposition. It has been reported in individuals with suspected or confirmed predisposition to myeloid malignancies (PMID: 26712909, 27133828).

Labcorp Genetics (formerly Invitae), Labcorp
Classification: Pathogenic. Last evaluated: 2025-01-23. Review status: criteria provided, single submitter. Criteria: Invitae Variant Classification Sherloc (09022015). Collection method: clinical testing. Allele origin: germline.
Comment: This sequence change creates a premature translational stop signal (p.Pro78Glnfs*3) in the DDX41 gene. It is expected to result in an absent or disrupted protein product. Loss-of-function variants in DDX41 are known to be pathogenic (PMID: 26712909, 27133828). This variant is not present in population databases (gnomAD no frequency). This premature translational stop signal has been observed in individual(s) with hematologic malignancies (PMID: 35419889). ClinVar contains an entry for this variant (Variation ID: 434917). Algorithms developed to predict the effect of sequence changes on RNA splicing suggest that this variant may disrupt the consensus splice site. For these reasons, this variant has been classified as Pathogenic.

GeneDx
Classification: Pathogenic. Last evaluated: 2023-11-06. Review status: criteria provided, single submitter. Criteria: GeneDx Variant Classification Process June 2021. Collection method: clinical testing. Allele origin: germline. Affected: yes.
Comment: Frameshift variant predicted to result in protein truncation or nonsense mediated decay in a gene for which loss of function is a known mechanism of disease; Not observed at significant frequency in large population cohorts (gnomAD); Identified in individuals with hematologic disorders in published literature (PMID: 32512379, 35419889); This variant is associated with the following publications: (PMID: 32512379, 35419889)

Baylor Genetics
Classification: Likely pathogenic for DDX41-related hematologic malignancy predisposition syndrome. Last evaluated: 2023-10-30. Review status: criteria provided, single submitter. Criteria: ACMG Guidelines, 2015. Collection method: clinical testing. Allele origin: unknown.

Genetic Services Laboratory, University of Chicago
Classification: Pathogenic for DDX41-related hematologic malignancy predisposition syndrome. Last evaluated: 2017-06-02. Review status: criteria provided, single submitter. Criteria: ACMG Guidelines, 2015. Collection method: clinical testing. Allele origin: germline. Affected: yes.

Literature cited by the submitters: PubMed 26712909 (cited by Saint-Louis Hospital, Assistance Publique Hôpitaux de Paris and Labcorp Genetics (formerly Invitae), Labcorp); PubMed 27133828 (cited by Saint-Louis Hospital, Assistance Publique Hôpitaux de Paris and Labcorp Genetics (formerly Invitae), Labcorp); PubMed 35419889 (cited by Labcorp Genetics (formerly Invitae), Labcorp).